The following is an entry in ClinVar:

ClinVar aggregate classification (germline): Conflicting classifications of pathogenicity. Review status: criteria provided, conflicting classifications (1 of 4 stars). 7 submissions from 7 submitters: Uncertain significance (5); Likely benign (2). Last evaluated 2025-09-25.

Conditions:
Hereditary cancer-predisposing syndrome. Also called: Tumor predisposition; Hereditary Cancer Syndrome; Hereditary neoplastic syndrome; Neoplastic Syndromes, Hereditary. Identifiers: Orphanet 140162, MedGen C0027672, MeSH D009386, MONDO:0015356.
Hereditary breast ovarian cancer syndrome. Also called: Breast and ovarian cancer; Hereditary breast and/or ovarian cancer syndrome; BRCA1- and BRCA2-Associated Hereditary Breast and Ovarian Cancer; Hereditary breast and ovarian cancer syndrome; Hereditary breast and ovarian cancer syndrome (HBOC); Hereditary breast and ovarian cancer. Identifiers: Orphanet 145, MedGen C0677776, MeSH D061325, MONDO:0003582. Disease mechanism: loss of function.
Breast-ovarian cancer, familial, susceptibility to, 1 (BROVCA1). Also called: BRCA1 Hereditary Breast and Ovarian Cancer; OVARIAN CANCER, SUSCEPTIBILITY TO. Identifiers: Orphanet 145, MedGen C2676676, MONDO:0011450, OMIM 604370. Disease mechanism: loss of function.

gnomAD v4.1: 1 of 1,611,952 alleles (0.000062%); highest among the groups gnomAD compares: Non-Finnish European, 0.000085%; no homozygotes.

Submissions (7):

Ambry Genetics
Classification: Uncertain significance for Hereditary cancer-predisposing syndrome. Last evaluated: 2025-09-25. Review status: criteria provided, single submitter. Criteria: Ambry Variant Classification Scheme 2023. Collection method: clinical testing. Allele origin: germline.
Comment: The p.A253V variant (also known as c.758C>T), located in coding exon 9 of the BRCA1 gene, results from a C to T substitution at nucleotide position 758. The alanine at codon 253 is replaced by valine, an amino acid with similar properties. This amino acid position is well conserved in available vertebrate species. In addition, this alteration is predicted to be deleterious by in silico analysis. Since supporting evidence is limited at this time, the clinical significance of this alteration remains unclear.

Labcorp Genetics (formerly Invitae), Labcorp
Classification: Uncertain significance for Hereditary breast ovarian cancer syndrome. Last evaluated: 2025-09-12. Review status: criteria provided, single submitter. Criteria: Invitae Variant Classification Sherloc (09022015). Collection method: clinical testing. Allele origin: germline.
Comment: This sequence change replaces alanine, which is neutral and non-polar, with valine, which is neutral and non-polar, at codon 253 of the BRCA1 protein (p.Ala253Val). This variant is not present in population databases (gnomAD no frequency). This variant has not been reported in the literature in individuals affected with BRCA1-related conditions. ClinVar contains an entry for this variant (Variation ID: 489737). Invitae Evidence Modeling of protein sequence and biophysical properties (such as structural, functional, and spatial information, amino acid conservation, physicochemical variation, residue mobility, and thermodynamic stability) indicates that this missense variant is expected to disrupt BRCA1 protein function with a positive predictive value of 80%. In summary, the available evidence is currently insufficient to determine the role of this variant in disease. Therefore, it has been classified as a Variant of Uncertain Significance.

Quest Diagnostics Nichols Institute San Juan Capistrano
Classification: Uncertain significance. Last evaluated: 2025-09-08. Review status: criteria provided, single submitter. Criteria: Quest Diagnostics criteria. Collection method: clinical testing. Allele origin: unknown.
Comment: The BRCA1 c.758C>T (p.Ala253Val) variant has been reported in the published literature to be located in a region of the BRCA1 gene that is tolerant to missense sequence changes (PMID: 31911673 (2020)). To the best of our knowledge, this variant has not been reported in individuals with BRCA1-related disorders. This variant has not been reported in large, multi-ethnic general populations (Genome Aggregation Database). Analysis of this variant using bioinformatics tools for the prediction of the effect of amino acid changes on protein structure and function yielded conflicting predictions that this variant is benign or damaging. Based on the available information, we are unable to determine the clinical significance of this variant.

Color Diagnostics, LLC DBA Color Health
Classification: Uncertain significance for Hereditary cancer-predisposing syndrome. Last evaluated: 2025-06-10. Review status: criteria provided, single submitter. Criteria: ACMG Guidelines, 2015. Collection method: clinical testing. Allele origin: germline.
Comment: This missense variant replaces alanine with valine at codon 253 of the BRCA1 protein. Computational prediction is inconclusive regarding the impact of this variant on protein structure and function. To our knowledge, functional studies have not been reported for this variant. This variant has not been reported in individuals affected with BRCA1-related disorders in the literature. This variant has not been identified in the general population by the Genome Aggregation Database (gnomAD). The available evidence is insufficient to determine the role of this variant in disease conclusively. Therefore, this variant is classified as a Variant of Uncertain Significance.

Myriad Genetics, Inc.
Classification: Likely benign for Breast-ovarian cancer, familial, susceptibility to, 1. Last evaluated: 2024-08-06. Review status: criteria provided, single submitter. Criteria: Myriad Autosomal Dominant, Autosomal Recessive and X-Linked Classification Criteria (2023). Collection method: clinical testing. Allele origin: unknown.
Comment: This variant is considered likely benign. This variant is strongly associated with less severe personal and family histories of cancer, typical for individuals without pathogenic variants in this gene [PMID: 25085752].

University of Washington Department of Laboratory Medicine, University of Washington
Classification: Likely benign for Hereditary cancer-predisposing syndrome. Last evaluated: 2023-03-23. Review status: criteria provided, single submitter. Criteria: Dines et al. (Genet Med. 2020). Collection method: curation. Allele origin: germline.
Comment: Missense variant in a coldspot region where missense variants are very unlikely to be pathogenic (PMID:31911673).

BRCA1 coldspot (exon 11 using historical exon numbering). Reclassification based on statistical prior probability

GeneDx
Classification: Uncertain significance. Last evaluated: 2019-07-30. Review status: criteria provided, single submitter. Criteria: GeneDx Variant Classification Process June 2021. Collection method: clinical testing. Allele origin: germline. Affected: yes.
Comment: Not observed in large population cohorts (Lek et al., 2016); In silico analysis, which includes protein predictors and evolutionary conservation, supports that this variant does not alter protein structure/function; Has not been previously published as pathogenic or benign to our knowledge

Literature cited by the submitters: PubMed 31911673 (cited by Quest Diagnostics Nichols Institute San Juan Capistrano); PubMed 25085752 (cited by Myriad Genetics, Inc.).

NM_007294.4(BRCA1):c.758C>T (p.Ala253Val)

Gene: BRCA1 (BRCA1 DNA repair associated; minus strand). Cytogenetic location: 17q21.31.
Variant type: single nucleotide variant.
Coding change: c.758C>T on transcript NM_007294.4 (MANE Select); coding-DNA position 758, C replaced by T.
Protein change: p.Ala253Val; replaces alanine 253 with valine.
Molecular consequence: missense variant. On other transcripts: non-coding transcript variant (1).
Genome position (GRCh38, 1-based): chr17:43,094,773, G>A on the plus strand (C>T on the coding strand, the complement: BRCA1 is on the minus strand). VCF-style: chr17-43094773-G-A. GRCh37 (hg19) VCF-style: chr17-41246790-G-A.
Other names: c.545C>T, p.Ala182Val (NM_001407916.1, NM_001407917.1, NM_001407918.1 and 12 more transcripts); c.635C>T, p.Ala212Val (NM_001407919.1, NM_001407937.1, NM_001407938.1 and 34 more transcripts); c.494C>T, p.Ala165Val (NM_001407920.1, NM_001407921.1, NM_001407922.1 and 15 more transcripts); c.491C>T, p.Ala164Val (NM_001407930.1, NM_001407931.1, NM_001407932.1 and 5 more transcripts); c.632C>T, p.Ala211Val (NM_001407940.1, NM_001407941.1, NM_001408432.1 and 20 more transcripts); c.617C>T, p.Ala206Val (NM_001407942.1, NM_001407944.1, NM_001407945.1 and 43 more transcripts); c.614C>T, p.Ala205Val (NM_001407943.1, NM_001407964.1, NM_001408462.1 and 26 more transcripts); c.425C>T, p.Ala142Val (NM_001407946.1, NM_001407947.1, NM_001407948.1 and 7 more transcripts); and 14 more; short protein forms A253V, A206V, A125V, A141V, A182V, A183V, A205V, A208V.
Identifiers: ClinVar variation 489737 (VCV000489737.26), dbSNP rs1555593177, ClinGen allele CA10600566.